The following is an entry in ClinVar:

ClinVar aggregate classification (germline): Uncertain significance. Review status: criteria provided, multiple submitters, no conflicts (2 of 4 stars). 3 submissions from 3 submitters: Uncertain significance (3). Last evaluated 2026-09-08.

Conditions:
IFT172-related disorder. Also called: IFT172-related condition; IFT172-related disorders.
Short-rib thoracic dysplasia 10 with or without polydactyly (SRTD10). Identifiers: Orphanet 474, MedGen C3810175, MONDO:0014284, OMIM 615630.
Retinitis pigmentosa 71 (RP71). Identifiers: Orphanet 791, MedGen C4225342, MONDO:0014618, OMIM 616394.
Inborn genetic diseases. Identifiers: MedGen C0950123, MeSH D030342.

Allele frequency attached by ClinVar (database versions not stated): gnomAD exomes below 0.00001; ExAC 0.00001; gnomAD 0.00002; TOPMed 0.00002; 1000 Genomes Project 0.00020; 1000 Genomes Project 30x 0.00031.
gnomAD v4.1: 9 of 1,608,228 alleles (0.00056%); highest among the groups gnomAD compares: Admixed American, 0.015%; no homozygotes.

Submissions (3):

PreventionGenetics, part of Exact Sciences
Classification: Uncertain significance for IFT172-related condition. Last evaluated: 2026-09-08. Review status: criteria provided, single submitter. Criteria: ACMG Guidelines, 2015. Collection method: clinical testing. Allele origin: germline.
Comment: The IFT172 c.518A>G variant is predicted to result in the amino acid substitution p.Asp173Gly. To our knowledge, this variant has not been reported in the literature. This variant is reported in 0.0029% of alleles in individuals of Latino descent in gnomAD. At this time, the clinical significance of this variant is uncertain due to the absence of conclusive functional and genetic evidence.

Ambry Genetics
Classification: Uncertain significance for Inborn genetic diseases. Last evaluated: 2024-09-27. Review status: criteria provided, single submitter. Criteria: Ambry Variant Classification Scheme 2023. Collection method: clinical testing. Allele origin: germline.

Labcorp Genetics (formerly Invitae), Labcorp
Classification: Uncertain significance for Retinitis pigmentosa 71; Short-rib thoracic dysplasia 10 with or without polydactyly. Last evaluated: 2022-07-14. Review status: criteria provided, single submitter. Criteria: Invitae Variant Classification Sherloc (09022015). Collection method: clinical testing. Allele origin: germline.
Comment: This sequence change replaces aspartic acid, which is acidic and polar, with glycine, which is neutral and non-polar, at codon 173 of the IFT172 protein (p.Asp173Gly). This variant is not present in population databases (gnomAD no frequency). This variant has not been reported in the literature in individuals affected with IFT172-related conditions. Algorithms developed to predict the effect of missense changes on protein structure and function are either unavailable or do not agree on the potential impact of this missense change (SIFT: "Deleterious"; PolyPhen-2: "Probably Damaging"; Align-GVGD: "Class C0"). Algorithms developed to predict the effect of sequence changes on RNA splicing suggest that this variant may create or strengthen a splice site. In summary, the available evidence is currently insufficient to determine the role of this variant in disease. Therefore, it has been classified as a Variant of Uncertain Significance.

NM_015662.3(IFT172):c.518A>G (p.Asp173Gly)

Gene: IFT172 (intraflagellar transport 172; minus strand). Cytogenetic location: 2p23.3.
Variant type: single nucleotide variant.
Coding change: c.518A>G on transcript NM_015662.3 (MANE Select); coding-DNA position 518, A replaced by G.
Protein change: p.Asp173Gly; replaces aspartic acid 173 with glycine.
Molecular consequence: missense variant.
Genome position (GRCh38, 1-based): chr2:27,483,341, T>C on the plus strand (A>G on the coding strand, the complement: IFT172 is on the minus strand). VCF-style: chr2-27483341-T-C. GRCh37 (hg19) VCF-style: chr2-27706208-T-C.
Other names: c.518A>G, p.Asp173Gly (NM_001410739.1); c.518A>G (NM_015662.1, NM_015662.2); short protein forms D173G.
Identifiers: ClinVar variation 2145010 (VCV002145010.3), dbSNP rs576276768, ClinGen allele CA1580946.